The following is an entry in ClinVar:

NM_001367624.2(ZNF469):c.6401A>T (p.Asp2134Val)

Gene: ZNF469 (zinc finger protein 469; plus strand). Cytogenetic location: 16q24.2.
Variant type: single nucleotide variant.
Coding change: c.6401A>T on transcript NM_001367624.2 (MANE Select); coding-DNA position 6401, A replaced by T.
Protein change: p.Asp2134Val; replaces aspartic acid 2134 with valine.
Molecular consequence: missense variant.
Genome position (GRCh38, 1-based): chr16:88,433,871, A>T. VCF-style: chr16-88433871-A-T. GRCh37 (hg19) VCF-style: chr16-88500279-A-T.
Other names: NM_001127464.1:c.6317A>T; short protein forms D2134V.
Identifiers: ClinVar variation 3232841 (VCV003232841.1), dbSNP rs772920337, ClinGen allele CA286381493.

ClinVar aggregate classification (germline): Uncertain significance (1 of 4 stars; one submission).

Conditions:
Cardiovascular phenotype. Identifiers: MedGen CN230736.

Allele frequency attached by ClinVar (database versions not stated): TOPMed below 0.00001; gnomAD 0.00001; gnomAD exomes 0.00003.
gnomAD v4.1: 39 of 1,548,536 alleles (0.0025%); highest among the groups gnomAD compares: Non-Finnish European, 0.0032%; no homozygotes.

Submission:

Ambry Genetics
Classification: Uncertain significance for Cardiovascular phenotype. Last evaluated: 2023-10-27. Review status: criteria provided, single submitter. Criteria: Ambry Variant Classification Scheme 2023. Collection method: clinical testing. Allele origin: germline.
Comment: The p.D2106V variant (also known as c.6317A>T), located in coding exon 2 of the ZNF469 gene, results from an A to T substitution at nucleotide position 6317. The aspartic acid at codon 2106 is replaced by valine, an amino acid with highly dissimilar properties. This amino acid position is conserved. In addition, this alteration is predicted to be tolerated by in silico analysis. Since supporting evidence is limited at this time, the clinical significance of this alteration remains unclear.